The following is an entry in ClinVar:

ClinVar aggregate classification (germline): Pathogenic (1 of 4 stars; one submission).

Conditions:
X-linked severe combined immunodeficiency (SCIDX1). Also called: X-Linked Combined Immunodeficiency Diseases; IMMUNODEFICIENCY 4; SCID, X-LINKED; SEVERE COMBINED IMMUNODEFICIENCY, X-LINKED, T CELL-NEGATIVE, B CELL-POSITIVE, NK CELL-NEGATIVE; T-B+ severe combined immunodeficiency due to gamma chain deficiency. Identifiers: Orphanet 276, MedGen C6022468, MONDO:0010315, OMIM 300400. Disease mechanism: loss of function.

Submission:

Labcorp Genetics (formerly Invitae), Labcorp
Classification: Pathogenic for X-linked severe combined immunodeficiency. Last evaluated: 2017-10-12. Review status: criteria provided, single submitter. Criteria: Invitae Variant Classification Sherloc (09022015). Collection method: clinical testing. Allele origin: germline.
Comment: This variant is not present in population databases (ExAC no frequency). This sequence change creates a premature translational stop signal (p.Leu183Trpfs*90) in the IL2RG gene. It is expected to result in an absent or disrupted protein product. For these reasons, this variant has been classified as Pathogenic. Loss-of-function variants in IL2RG are known to be pathogenic (PMID: 9058718, 10794430). This variant has not been reported in the literature in individuals with IL2RG-related disease.

Literature cited by the submitters: PubMed 9058718; PubMed 10794430.

NM_000206.3(IL2RG):c.548del (p.Leu183fs)

Gene: IL2RG (interleukin 2 receptor subunit gamma; minus strand). Cytogenetic location: Xq13.1.
Variant type: Deletion.
Coding change: c.548del on transcript NM_000206.3 (MANE Select); coding-DNA position 548, one base deleted (T; older notation c.548delT).
Protein change: p.Leu183fs; shifts the reading frame from leucine 183.
Molecular consequence: frameshift variant.
Genome position (GRCh38, 1-based): chrX:71,110,202, A deleted on the plus strand (T on the coding strand, the reverse complement: IL2RG is on the minus strand); the first of 3 consecutive A bases (chrX:71,110,202-71,110,204); deleting any one gives the same sequence. VCF-style (leftmost placement, unchanged base first): chrX-71110201-CA-C. GRCh37 (hg19) VCF-style: chrX-70330051-CA-C.
Other names: c.548delT (NM_000206.2); short protein forms L183fs.
Identifiers: ClinVar variation 532190 (VCV000532190.7), dbSNP rs1556330562, ClinGen allele CA658799778.